The following is an entry in ClinVar:

ClinVar aggregate classification (germline): Uncertain significance (1 of 4 stars; one submission).

Allele frequency attached by ClinVar (database versions not stated): gnomAD 0.00001; gnomAD exomes 0.00001 and 0.00003; ExAC 0.00002; TOPMed 0.00002; 1000 Genomes Project 30x 0.00016.
gnomAD v4.1: 17 of 1,613,552 alleles (0.0011%); highest among the groups gnomAD compares: Middle Eastern, 0.017%; no homozygotes.

Submission:

Labcorp Genetics (formerly Invitae), Labcorp
Classification: Uncertain significance. Last evaluated: 2023-07-07. Review status: criteria provided, single submitter. Criteria: Invitae Variant Classification Sherloc (09022015). Collection method: clinical testing. Allele origin: germline.
Comment: In summary, the available evidence is currently insufficient to determine the role of this variant in disease. Therefore, it has been classified as a Variant of Uncertain Significance. Algorithms developed to predict the effect of missense changes on protein structure and function output the following: SIFT: "Not Available"; PolyPhen-2: "Benign"; Align-GVGD: "Not Available". The valine amino acid residue is found in multiple mammalian species, which suggests that this missense change does not adversely affect protein function. ClinVar contains an entry for this variant (Variation ID: 1449982). This variant has not been reported in the literature in individuals affected with MYO18B-related conditions. This variant is present in population databases (rs747527566, gnomAD 0.006%). This sequence change replaces alanine, which is neutral and non-polar, with valine, which is neutral and non-polar, at codon 921 of the MYO18B protein (p.Ala921Val).

NM_032608.7(MYO18B):c.2762C>T (p.Ala921Val)

Gene: MYO18B (myosin XVIIIB; plus strand). Cytogenetic location: 22q12.1.
Variant type: single nucleotide variant.
Coding change: c.2762C>T on transcript NM_032608.7 (MANE Select); coding-DNA position 2762, C replaced by T.
Protein change: p.Ala921Val; replaces alanine 921 with valine.
Molecular consequence: missense variant.
Genome position (GRCh38, 1-based): chr22:25,826,475, C>T. VCF-style: chr22-25826475-C-T. GRCh37 (hg19) VCF-style: chr22-26222442-C-T.
Other names: c.2762C>T, p.Ala921Val (NM_001318245.2); short protein forms A921V.
Identifiers: ClinVar variation 1449982 (VCV001449982.5), dbSNP rs747527566, ClinGen allele CA10160305.